The following is an entry in ClinVar:

NM_152564.5(VPS13B):c.8680A>G (p.Ile2894Val)

Gene: VPS13B (vacuolar protein sorting 13 homolog B; plus strand). Cytogenetic location: 8q22.2.
Variant type: single nucleotide variant.
Coding change: c.8680A>G on transcript NM_152564.5 (MANE Select); coding-DNA position 8680, A replaced by G.
Protein change: p.Ile2894Val; replaces isoleucine 2894 with valine.
Molecular consequence: missense variant.
Genome position (GRCh38, 1-based): chr8:99,819,470, A>G. VCF-style: chr8-99819470-A-G. GRCh37 (hg19) VCF-style: chr8-100831698-A-G.
Other names: c.8755A>G (NM_017890.3); c.8755A>G, p.Ile2919Val (NM_017890.5); c.8680A>G (NM_152564.4); short protein forms I2894V, I2919V.
Identifiers: ClinVar variation 585722 (VCV000585722.12), dbSNP rs1272294316, ClinGen allele CA371776246.

ClinVar aggregate classification (germline): Uncertain significance. Review status: criteria provided, multiple submitters, no conflicts (2 of 4 stars). 6 submissions from 6 submitters: Uncertain significance (5). 1 of the submissions does not count toward it. Last evaluated 2025-08-04.

Conditions:
Cohen syndrome (COH1). Also called: PEPPER SYNDROME; Cutis verticis gyrata, retinitis pigmentosa, and sensorineural deafness. Identifiers: Orphanet 193, MedGen C0265223, MONDO:0008999, OMIM 216550.
VPS13B-related disorder. Also called: VPS13B-related condition.
Inborn genetic diseases. Identifiers: MedGen C0950123, MeSH D030342.

Allele frequency attached by ClinVar (database versions not stated): gnomAD exomes 0.00001; TOPMed 0.00001.
gnomAD v4.1: 9 of 1,613,926 alleles (0.00056%); highest among the groups gnomAD compares: Admixed American, 0.0017%; no homozygotes.

Submissions (6):

PreventionGenetics, part of Exact Sciences
Classification: Uncertain significance for VPS13B-related condition. Last evaluated: 2025-08-04. Review status: criteria provided, single submitter. Criteria: ACMG Guidelines, 2015. Collection method: clinical testing. Allele origin: germline.
Comment: The VPS13B c.8680A>G variant is predicted to result in the amino acid substitution p.Ile2894Val. To our knowledge, this variant has not been reported in the literature. This variant is reported in 0.0029% of alleles in individuals of Latino descent in gnomAD. At this time, the clinical significance of this variant is uncertain due to the absence of conclusive functional and genetic evidence.

Labcorp Genetics (formerly Invitae), Labcorp
Classification: Uncertain significance for Cohen syndrome. Last evaluated: 2025-04-26. Review status: criteria provided, single submitter. Criteria: Invitae Variant Classification Sherloc (09022015). Collection method: clinical testing. Allele origin: germline.
Comment: This sequence change replaces isoleucine, which is neutral and non-polar, with valine, which is neutral and non-polar, at codon 2919 of the VPS13B protein (p.Ile2919Val). This variant is present in population databases (no rsID available, gnomAD 0.003%). This variant has not been reported in the literature in individuals affected with VPS13B-related conditions. ClinVar contains an entry for this variant (Variation ID: 585722). Invitae Evidence Modeling of protein sequence and biophysical properties (such as structural, functional, and spatial information, amino acid conservation, physicochemical variation, residue mobility, and thermodynamic stability) indicates that this missense variant is not expected to disrupt VPS13B protein function with a negative predictive value of 80%. In summary, the available evidence is currently insufficient to determine the role of this variant in disease. Therefore, it has been classified as a Variant of Uncertain Significance.

Blueprint Genetics
Classification: Uncertain significance. Last evaluated: 2023-08-08. Review status: criteria provided, single submitter. Criteria: ACMG Guidelines, 2015. Collection method: clinical testing. Allele origin: germline.

Athena Diagnostics
Classification: Uncertain significance. Last evaluated: 2018-04-27. Review status: criteria provided, single submitter. Criteria: Athena Diagnostics Criteria. Collection method: clinical testing. Allele origin: germline.

Ambry Genetics
Classification: Uncertain significance for Inborn genetic diseases. Last evaluated: 2018-03-10. Review status: criteria provided, single submitter. Criteria: Ambry Variant Classification Scheme 2023. Collection method: clinical testing. Allele origin: germline.
Comment: The p.I2919V variant (also known as c.8755A>G), located in coding exon 47 of the VPS13B gene, results from an A to G substitution at nucleotide position 8755. The isoleucine at codon 2919 is replaced by valine, an amino acid with highly similar properties. This amino acid position is highly conserved in available vertebrate species. In addition, this alteration is predicted to be tolerated by in silico analysis. Since supporting evidence is limited at this time, the clinical significance of this alteration remains unclear.

Natera, Inc.
Classification: Uncertain significance for Cohen syndrome. Last evaluated: 2020-10-08. Review status: no assertion criteria provided. Collection method: clinical testing. Allele origin: germline. Not counted in ClinVar's aggregate classification.